The following is an entry in ClinVar:

NM_005002.5(NDUFA9):c.1079G>A (p.Arg360His)

Gene: NDUFA9 (NADH:ubiquinone oxidoreductase subunit A9; plus strand). Cytogenetic location: 12p13.32.
Variant type: single nucleotide variant.
Coding change: c.1079G>A on transcript NM_005002.5 (MANE Select); coding-DNA position 1079, G replaced by A.
Protein change: p.Arg360His; replaces arginine 360 with histidine.
Molecular consequence: missense variant.
Genome position (GRCh38, 1-based): chr12:4,687,053, G>A. VCF-style: chr12-4687053-G-A. GRCh37 (hg19) VCF-style: chr12-4796219-G-A.
Other names: short protein forms R360H.
Identifiers: ClinVar variation 3695612 (VCV003695612.2).
Genomic context (GRCh38, chr12:4,687,053, plus strand): 5'-TTCAGGCAACACCACTGGAACTCAAGGCCATTGAGGTGCTGCGGCGTCATCGCACTTACC[G>A]CTGGCTGTCTGCTGAAATTGAGGATGTGAAGCCGGCCAAGACCGTCAACATTTAGTGCCT-3'
Protein context (NP_004993.1, residues 350-370): IEVLRRHRTY[Arg360His]WLSAEIEDVK

ClinVar aggregate classification (germline): Uncertain significance (1 of 4 stars; one submission).

gnomAD v4.1: 8 of 1,614,130 alleles (0.0005%); highest among the groups gnomAD compares: South Asian, 0.0011%; no homozygotes.

Submission:

Labcorp Genetics (formerly Invitae), Labcorp
Classification: Uncertain significance. Last evaluated: 2024-03-28. Review status: criteria provided, single submitter. Criteria: Invitae Variant Classification Sherloc (09022015). Collection method: clinical testing. Allele origin: germline.
Comment: This sequence change replaces arginine, which is basic and polar, with histidine, which is basic and polar, at codon 360 of the NDUFA9 protein (p.Arg360His). This variant is present in population databases (rs750194827, gnomAD 0.004%). This variant has not been reported in the literature in individuals affected with NDUFA9-related conditions. An algorithm developed to predict the effect of missense changes on protein structure and function (PolyPhen-2) suggests that this variant is likely to be disruptive. In summary, the available evidence is currently insufficient to determine the role of this variant in disease. Therefore, it has been classified as a Variant of Uncertain Significance.